The following is an entry in ClinVar:

NM_014254.3(RXYLT1):c.170-1G>C

Gene: RXYLT1 (ribitol xylosyltransferase 1; plus strand). Cytogenetic location: 12q14.2.
Variant type: single nucleotide variant.
Coding change: c.170-1G>C on transcript NM_014254.3 (MANE Select); the canonical splice acceptor site of the intron before coding-DNA position 170, G replaced by C.
Molecular consequence: splice acceptor variant.
Genome position (GRCh38, 1-based): chr12:63,781,018, G>C. VCF-style: chr12-63781018-G-C. GRCh37 (hg19) VCF-style: chr12-64174798-G-C.
Other names: c.-611-1G>C (NM_001278237.2).
Identifiers: ClinVar variation 2758418 (VCV002758418.3), dbSNP rs369494693, ClinGen allele CA6666016.

ClinVar aggregate classification (germline): Likely pathogenic (1 of 4 stars; one submission).

Allele frequency attached by ClinVar (database versions not stated): ExAC 0.00001; ESP Exome Variant Server 0.00008.
gnomAD v4.1: 1 of 1,589,176 alleles (0.000063%); highest among the groups gnomAD compares: Non-Finnish European, 0.000085%; no homozygotes.

Submission:

Labcorp Genetics (formerly Invitae), Labcorp
Classification: Likely pathogenic. Last evaluated: 2023-09-06. Review status: criteria provided, single submitter. Criteria: Invitae Variant Classification Sherloc (09022015). Collection method: clinical testing. Allele origin: germline.
Comment: This variant is present in population databases (rs369494693, gnomAD 0.0009%). This sequence change affects an acceptor splice site in intron 1 of the RXYLT1 gene. It is expected to disrupt RNA splicing. Variants that disrupt the donor or acceptor splice site typically lead to a loss of protein function (PMID: 16199547), and loss-of-function variants in RXYLT1 are known to be pathogenic (PMID: 23217329, 23519211, 31742715). This variant has not been reported in the literature in individuals affected with RXYLT1-related conditions. Algorithms developed to predict the effect of sequence changes on RNA splicing suggest that this variant may disrupt the consensus splice site. In summary, the currently available evidence indicates that the variant is pathogenic, but additional data are needed to prove that conclusively. Therefore, this variant has been classified as Likely Pathogenic.

Literature cited by the submitters: PubMed 16199547; PubMed 23217329; PubMed 23519211; PubMed 31742715.